The following is an entry in ClinVar:

ClinVar aggregate classification (germline): Pathogenic (0 of 4 stars; one submission).

Submission:

GenMed Metabolism Lab
Classification: Pathogenic. Review status: no assertion criteria provided. Collection method: not provided. Allele origin: unknown.
ClinVar note: Converted during submission from pathogenic to Pathogenic.

NM_000531.6(OTC):c.443T>G (p.Leu148Trp)

Gene: OTC (ornithine transcarbamylase; plus strand). Cytogenetic location: Xp11.4.
Variant type: single nucleotide variant.
Coding change: c.443T>G on transcript NM_000531.6 (MANE Select); coding-DNA position 443, T replaced by G.
Protein change: p.Leu148Trp; replaces leucine 148 with tryptophan.
Molecular consequence: missense variant.
Genome position (GRCh38, 1-based): chrX:38,401,331, T>G. VCF-style: chrX-38401331-T-G. GRCh37 (hg19) VCF-style: chrX-38260584-T-G.
Other names: short protein forms L148W.
Identifiers: ClinVar variation 97203 (VCV000097203.2), dbSNP rs67016166, ClinGen allele CA224610.